The following is an entry in ClinVar:

ClinVar aggregate classification (germline): Uncertain significance (1 of 4 stars; one submission).

Allele frequency attached by ClinVar (database versions not stated): 1000 Genomes Project 30x 0.00016.

Submission:

Labcorp Genetics (formerly Invitae), Labcorp
Classification: Uncertain significance. Last evaluated: 2021-09-01. Review status: criteria provided, single submitter. Criteria: Invitae Variant Classification Sherloc (09022015). Collection method: clinical testing. Allele origin: germline.
Comment: This sequence change replaces valine with methionine at codon 428 of the GPAA1 protein (p.Val428Met). The valine residue is weakly conserved and there is a small physicochemical difference between valine and methionine. This variant is present in population databases (rs782168461, ExAC 0.01%). This variant has not been reported in the literature in individuals affected with GPAA1-related conditions. Algorithms developed to predict the effect of missense changes on protein structure and function output the following: SIFT: "Tolerated"; PolyPhen-2: "Benign"; Align-GVGD: "Class C0". The methionine amino acid residue is found in multiple mammalian species, which suggests that this missense change does not adversely affect protein function. In summary, the available evidence is currently insufficient to determine the role of this variant in disease. Therefore, it has been classified as a Variant of Uncertain Significance.

NM_003801.4(GPAA1):c.1282G>A (p.Val428Met)

Gene: GPAA1 (glycosylphosphatidylinositol anchor attachment 1; plus strand). Cytogenetic location: 8q24.3.
Variant type: single nucleotide variant.
Coding change: c.1282G>A on transcript NM_003801.4 (MANE Select); coding-DNA position 1282, G replaced by A.
Protein change: p.Val428Met; replaces valine 428 with methionine.
Molecular consequence: missense variant.
Genome position (GRCh38, 1-based): chr8:144,085,310, G>A. VCF-style: chr8-144085310-G-A. GRCh37 (hg19) VCF-style: chr8-145140213-G-A.
Other names: short protein forms V428M.
Identifiers: ClinVar variation 1406436 (VCV001406436.5), dbSNP rs782168461, ClinGen allele CA4933131.